The following is an entry in ClinVar:

ClinVar aggregate classification (germline): Uncertain significance. Review status: criteria provided, multiple submitters, no conflicts (2 of 4 stars). 2 submissions from 2 submitters: Uncertain significance (2). Last evaluated 2022-05-09.

Allele frequency attached by ClinVar (database versions not stated): gnomAD 0.00001; TOPMed 0.00001; ESP Exome Variant Server 0.00008.
gnomAD v4.1: 15 of 1,561,240 alleles (0.00096%); highest among the groups gnomAD compares: Admixed American, 0.0056%; no homozygotes.

Submissions (2):

Labcorp Genetics (formerly Invitae), Labcorp
Classification: Uncertain significance. Last evaluated: 2022-05-09. Review status: criteria provided, single submitter. Criteria: Invitae Variant Classification Sherloc (09022015). Collection method: clinical testing. Allele origin: germline.
Comment: This sequence change replaces glycine, which is neutral and non-polar, with serine, which is neutral and polar, at codon 4367 of the HSPG2 protein (p.Gly4367Ser). The frequency data for this variant in the population databases is considered unreliable, as metrics indicate poor data quality at this position in the gnomAD database. This variant has not been reported in the literature in individuals affected with HSPG2-related conditions. ClinVar contains an entry for this variant (Variation ID: 806079). Algorithms developed to predict the effect of missense changes on protein structure and function output the following: SIFT: "Tolerated"; PolyPhen-2: "Benign"; Align-GVGD: "Class C0". The serine amino acid residue is found in multiple mammalian species, which suggests that this missense change does not adversely affect protein function. In summary, the available evidence is currently insufficient to determine the role of this variant in disease. Therefore, it has been classified as a Variant of Uncertain Significance.

CeGaT Center for Human Genetics Tuebingen
Classification: Uncertain significance. Last evaluated: 2016-12-01. Review status: criteria provided, single submitter. Criteria: CeGaT Center For Human Genetics Tuebingen Variant Classification Criteria Version 2. Collection method: clinical testing. Allele origin: germline. Affected: yes. Observed: 1 variant allele.

NM_005529.7(HSPG2):c.13099G>A (p.Gly4367Ser)

Genes: HSPG2 (heparan sulfate proteoglycan 2; minus strand), LDLRAD2 (low density lipoprotein receptor class A domain containing 2; plus strand). Cytogenetic location: 1p36.12.
Variant type: single nucleotide variant.
Coding change: c.13099G>A on transcript NM_005529.7 (MANE Select); coding-DNA position 13099, G replaced by A.
Protein change: p.Gly4367Ser; replaces glycine 4367 with serine.
Molecular consequence: missense variant. On other transcripts: 3 prime UTR variant (1).
Genome position (GRCh38, 1-based): chr1:21,823,393, C>T on the plus strand (G>A on the coding strand, the complement: HSPG2 is on the minus strand). VCF-style: chr1-21823393-C-T. GRCh37 (hg19) VCF-style: chr1-22149886-C-T.
Other names: c.13102G>A, p.Gly4368Ser (NM_001291860.2); c.*1178C>T (NM_001013693.3); short protein forms G4368S, G4367S.
Identifiers: ClinVar variation 806079 (VCV000806079.44), dbSNP rs373820736, ClinGen allele CA19145267.